The following is an entry in ClinVar:

NM_000214.3(JAG1):c.2733C>G (p.Cys911Trp)

Gene: JAG1 (jagged canonical Notch ligand 1; minus strand). Cytogenetic location: 20p12.2.
Variant type: single nucleotide variant.
Coding change: c.2733C>G on transcript NM_000214.3 (MANE Select); coding-DNA position 2733, C replaced by G.
Protein change: p.Cys911Trp; replaces cysteine 911 with tryptophan.
Molecular consequence: missense variant.
Genome position (GRCh38, 1-based): chr20:10,641,643, G>C on the plus strand (C>G on the coding strand, the complement: JAG1 is on the minus strand). VCF-style: chr20-10641643-G-C. GRCh37 (hg19) VCF-style: chr20-10622291-G-C.
Other names: short protein forms C911W.
Identifiers: ClinVar variation 1499421 (VCV001499421.8), dbSNP rs1411780867, ClinGen allele CA408245091.

ClinVar aggregate classification (germline): Likely pathogenic (1 of 4 stars; one submission).

Conditions:
Alagille syndrome due to a JAG1 point mutation. Also called: JAG1-Related Alagille Syndrome; Alagille Syndrome 1; HEPATIC DUCTULAR HYPOPLASIA, SYNDROMATIC. Identifiers: Orphanet 261619, Orphanet 52, MedGen C1956125, MONDO:0016862, OMIM 118450.

Submission:

Labcorp Genetics (formerly Invitae), Labcorp
Classification: Likely pathogenic for Alagille syndrome due to a JAG1 point mutation. Last evaluated: 2020-12-27. Review status: criteria provided, single submitter. Criteria: Invitae Variant Classification Sherloc (09022015). Collection method: clinical testing. Allele origin: germline.
Comment: In summary, the currently available evidence indicates that the variant is pathogenic, but additional data are needed to prove that conclusively. Therefore, this variant has been classified as Likely Pathogenic. This variant disrupts the p.Cys911 amino acid residue in JAG1. Other variant(s) that disrupt this residue have been determined to be pathogenic (PMID: 31343788). This suggests that this residue is clinically significant, and that variants that disrupt this residue are likely to be disease-causing. Advanced modeling of protein sequence and biophysical properties (such as structural, functional, and spatial information, amino acid conservation, physicochemical variation, residue mobility, and thermodynamic stability) performed at Invitae indicates that this missense variant is expected to disrupt JAG1 protein function. This variant has not been reported in the literature in individuals with JAG1-related conditions. This variant is not present in population databases (ExAC no frequency). This sequence change replaces cysteine with tryptophan at codon 911 of the JAG1 protein (p.Cys911Trp). The cysteine residue is highly conserved and there is a large physicochemical difference between cysteine and tryptophan.

Literature cited by the submitters: PubMed 31343788.